The following is an entry in ClinVar:

ClinVar aggregate classification (germline): Benign. Review status: reviewed by expert panel (3 of 4 stars). 10 submissions from 9 submitters: Benign (1). 9 of the submissions do not count toward it. Last evaluated 2021-03-17.

Conditions:
RYR1-related disorder. Also called: RYR1-related condition; RYR1-related disorders. Identifiers: MedGen CN239331.
Malignant hyperthermia, susceptibility to, 1 (MHS1). Also called: RYR1-Related Malignant Hyperthermia Susceptibility; Malignant hyperthermia suceptibility 1; Anesthesia related hyperthermia; Malignant hyperpyrexia; Fulminating hyperpyrexia; Pharmacogenic myopathy. Identifiers: Orphanet 423, MedGen C2930980, MONDO:0007783, OMIM 145600.
Congenital multicore myopathy with external ophthalmoplegia (CMYO1B). Also called: MULTICORE MYOPATHY; Minicore myopathy with external ophthalmoplegia; Congenital myopathy 1B, autosomal recessive; Minicore myopathy; MULTIMINICORE DISEASE WITH EXTERNAL OPHTHALMOPLEGIA. Identifiers: Orphanet 598, Orphanet 98905, MedGen C1850674, MONDO:0009712, OMIM 255320, HP:0003789.

Allele frequency attached by ClinVar (database versions not stated): gnomAD 0.00031 and 0.00048; gnomAD exomes 0.00045 and 0.00115; TOPMed 0.00062; ExAC 0.00111; 1000 Genomes Project 30x 0.00141; 1000 Genomes Project 0.00180.
gnomAD v4.1: 739 of 1,613,590 alleles (0.046%); highest among the groups gnomAD compares: East Asian, 1.5%; 9 homozygotes.

Submissions (10):

ClinGen Malignant Hyperthermia Susceptibility Variant Curation Expert Panel, ClinGen
Classification: Benign for Malignant hyperthermia, susceptibility to, 1. Last evaluated: 2021-03-17. Review status: reviewed by expert panel. Criteria: ClinGen MHS ACMG Specifications V1. Collection method: curation. Allele origin: germline. Inheritance: Autosomal dominant inheritance. Study: ClinGen.
Comment: This pathogenicity assessment is relevant only for malignant hyperthermia susceptibility (MHS) inherited in an autosomal dominant pattern. Variants in RYR1 can also cause other myopathies inherited in an autosomal dominant pattern or in an autosomal recessive pattern. Some of these disorders may predispose individuals to malignant hyperthermia. RYR1 variants may also contribute to a malignant hyperthermia reaction in combination with other genetic and non-genetic factors and the clinician needs to consider such factors in making management decisions. This sequence variant predicts a substitution of Proline with Serine at codon 1773 of the RYR1 protein, p.(Pro1773Ser). The maximum allele frequency for this variant among the six major gnomAD populations is EAS: 0.0147, which is considered to be too common for a pathogenic variant causing autosomal dominantly inherited MHS, BA1. This variant has been classified as Benign. Criteria implemented: BA1.

Labcorp Genetics (formerly Invitae), Labcorp
Classification: Benign for RYR1-related disorder. Last evaluated: 2026-02-03. Review status: criteria provided, single submitter. Criteria: Invitae Variant Classification Sherloc (09022015). Collection method: clinical testing. Allele origin: germline. Not counted in ClinVar's aggregate classification.

CeGaT Center for Human Genetics Tuebingen
Classification: Benign. Last evaluated: 2025-07-01. Review status: criteria provided, single submitter. Criteria: CeGaT Center For Human Genetics Tuebingen Variant Classification Criteria Version 2. Collection method: clinical testing. Allele origin: germline. Affected: yes. Observed: 3 variant alleles. Not counted in ClinVar's aggregate classification.
Comment: RYR1: BS1, BS2

Blueprint Genetics
Classification: Likely benign. Last evaluated: 2024-11-08. Review status: criteria provided, single submitter. Criteria: ACMG Guidelines, 2015. Collection method: clinical testing. Allele origin: germline. Not counted in ClinVar's aggregate classification.

Color Diagnostics, LLC DBA Color Health
Classification: Benign for Malignant hyperthermia, susceptibility to, 1. Last evaluated: 2022-08-18. Review status: criteria provided, single submitter. Criteria: ACMG Guidelines, 2015. Collection method: clinical testing. Allele origin: germline. Not counted in ClinVar's aggregate classification.

GeneDx
Classification: Benign. Last evaluated: 2020-06-24. Review status: criteria provided, single submitter. Criteria: GeneDx Variant Classification Process June 2021. Collection method: clinical testing. Allele origin: germline. Affected: yes. Not counted in ClinVar's aggregate classification.
Comment: This variant is associated with the following publications: (PMID: 24195946)

Illumina Laboratory Services, Illumina
Classification: Benign for Malignant hyperthermia, susceptibility to, 1. Last evaluated: 2018-01-12. Review status: criteria provided, single submitter. Criteria: ICSL Variant Classification Criteria 13 December 2019. Collection method: clinical testing. Allele origin: germline. Not counted in ClinVar's aggregate classification.
Comment: This variant was observed in the ICSL laboratory as part of a predisposition screen in an ostensibly healthy population. It had not been previously curated by ICSL or reported in the Human Gene Mutation Database (HGMD: prior to June 1st, 2018), and was therefore a candidate for classification through an automated scoring system. Utilizing variant allele frequency, disease prevalence and penetrance estimates, and inheritance mode, an automated score was calculated to assess if this variant is too frequent to cause the disease. Based on the score and internal cut-off values, a variant classified as benign is not then subjected to further curation. The score for this variant resulted in a classification of benign for this disease.

Illumina Laboratory Services, Illumina
Classification: Benign for Congenital multicore myopathy with external ophthalmoplegia. Last evaluated: 2018-01-12. Review status: criteria provided, single submitter. Criteria: ICSL Variant Classification Criteria 13 December 2019. Collection method: clinical testing. Allele origin: germline. Not counted in ClinVar's aggregate classification.
Comment: the same text as in the submission from Illumina Laboratory Services, Illumina above.

PreventionGenetics, part of Exact Sciences
Classification: Benign. Last evaluated: 2016-04-25. Review status: criteria provided, single submitter. Criteria: ACMG Guidelines, 2015. Collection method: clinical testing. Allele origin: germline. Not counted in ClinVar's aggregate classification.

Biesecker Lab/Clinical Genomics Section, National Institutes of Health
Classification: Uncertain significance for Malignant hyperthermia, susceptibility to, 1. Last evaluated: 2013-07-01. Review status: criteria provided, single submitter. Criteria: Gonsalves et al. 2013. Collection method: research. Allele origin: unknown. Observed: 1 variant allele. Study: ClinSeq. Not counted in ClinVar's aggregate classification.
Comment: The study set was not selected for affection status in relation to any myopathy. Pathogenicity categories were based on literature curation. See Pubmed ID: 24195946 for details.

NM_000540.3(RYR1):c.5317C>T (p.Pro1773Ser)

Gene: RYR1 (ryanodine receptor 1; plus strand). Cytogenetic location: 19q13.2.
Variant type: single nucleotide variant.
Coding change: c.5317C>T on transcript NM_000540.3 (MANE Select); coding-DNA position 5317, C replaced by T.
Protein change: p.Pro1773Ser; replaces proline 1773 with serine.
Molecular consequence: missense variant.
Genome position (GRCh38, 1-based): chr19:38,485,972, C>T. VCF-style: chr19-38485972-C-T. GRCh37 (hg19) VCF-style: chr19-38976612-C-T.
Other names: NM_000540.2(RYR1):c.5317C>T; c.5317C>T, p.Pro1773Ser (NM_001042723.2); short protein forms P1773S.
Identifiers: ClinVar variation 224382 (VCV000224382.45), dbSNP rs192863857, ClinGen allele CA066877.
Genomic context (GRCh38, chr19:38,485,972, plus strand): 5'-ACAGAAAATGGTCACCCCCGGCATGGCCTGCCGGGAGTTGGAGTCACCACTTCGCTGAGG[C>T]CCCCGCATCATTTCTCGCCCCCCTGTTTCGTGGCCGCTCTGCCAGCTGCTGGGGCAGCAG-3'
Protein context (NP_000531.2, residues 1763-1783): PGVGVTTSLR[Pro1773Ser]PHHFSPPCFV